The following is an entry in ClinVar:

NM_002180.3(IGHMBP2):c.1718A>G (p.Glu573Gly)

Gene: IGHMBP2 (immunoglobulin mu DNA binding protein 2; plus strand). Cytogenetic location: 11q13.3.
Variant type: single nucleotide variant.
Coding change: c.1718A>G on transcript NM_002180.3 (MANE Select); coding-DNA position 1718, A replaced by G.
Protein change: p.Glu573Gly; replaces glutamic acid 573 with glycine.
Molecular consequence: missense variant.
Genome position (GRCh38, 1-based): chr11:68,935,384, A>G. VCF-style: chr11-68935384-A-G. GRCh37 (hg19) VCF-style: chr11-68702852-A-G.
Other names: short protein forms E573G.
Identifiers: ClinVar variation 566981 (VCV000566981.9), dbSNP rs1566445153, ClinGen allele CA381651229.
Genomic context (GRCh38, chr11:68,935,384, plus strand): 5'-TGCACAGGCACCCTGAGCTTGAAATCAAGTCTGTCGATGGCTTCCAAGGCCGAGAGAAGG[A>G]GGCCGTGATACTGTCCTTCGTCAGATCCAACAGGAAAGGTACGGAGCCCTCGCCAGAGTC-3'
Protein context (NP_002171.2, residues 563-583): SVDGFQGREK[Glu573Gly]AVILSFVRSN

ClinVar aggregate classification (germline): Uncertain significance (1 of 4 stars; one submission).

Conditions:
Charcot-Marie-Tooth disease axonal type 2S. Also called: CHARCOT-MARIE-TOOTH NEUROPATHY, TYPE 2S; CHARCOT-MARIE-TOOTH DISEASE, AXONAL, AUTOSOMAL RECESSIVE, TYPE 2S. Identifiers: Orphanet 443073, MedGen C4015349, MONDO:0014511, OMIM 616155.
Autosomal recessive distal spinal muscular atrophy 1. Also called: HMN VI; NEURONOPATHY, SEVERE INFANTILE AXONAL, WITH RESPIRATORY FAILURE; NEURONOPATHY, DISTAL HEREDITARY MOTOR, HARDING TYPE VI; NEUROPATHY, DISTAL HEREDITARY MOTOR, AUTOSOMAL RECESSIVE 1; SEVERE INFANTILE AXONAL NEUROPATHY WITH RESPIRATORY FAILURE; SPINAL MUSCULAR ATROPHY, DIAPHRAGMATIC. Identifiers: Orphanet 98920, MedGen C1858517, MONDO:0011436, OMIM 604320.

Submission:

Labcorp Genetics (formerly Invitae), Labcorp
Classification: Uncertain significance for Autosomal recessive distal spinal muscular atrophy 1; Charcot-Marie-Tooth disease axonal type 2S. Last evaluated: 2018-03-22. Review status: criteria provided, single submitter. Criteria: Invitae Variant Classification Sherloc (09022015). Collection method: clinical testing. Allele origin: germline.
Comment: This variant is not present in population databases (ExAC no frequency). In summary, the available evidence is currently insufficient to determine the role of this variant in disease. Therefore, it has been classified as a Variant of Uncertain Significance. Algorithms developed to predict the effect of missense changes on protein structure and function do not agree on the potential impact of this missense change (SIFT: "Deleterious"; PolyPhen-2: "Probably Damaging"; Align-GVGD: "Class C0"). This variant has not been reported in the literature in individuals with IGHMBP2-related disease. This sequence change replaces glutamic acid with glycine at codon 573 of the IGHMBP2 protein (p.Glu573Gly). The glutamic acid residue is highly conserved and there is a moderate physicochemical difference between glutamic acid and glycine.